The following is an entry in ClinVar:

ClinVar aggregate classification (germline): Likely benign (1 of 4 stars; one submission).

Allele frequency attached by ClinVar (database versions not stated): TOPMed below 0.00001; gnomAD 0.00001; gnomAD exomes 0.00001.
gnomAD v4.1: 10 of 1,552,088 alleles (0.00064%); highest among the groups gnomAD compares: Non-Finnish European, 0.00087%; no homozygotes.

Submission:

CeGaT Center for Human Genetics Tuebingen
Classification: Likely benign. Last evaluated: 2022-10-01. Review status: criteria provided, single submitter. Criteria: CeGaT Center For Human Genetics Tuebingen Variant Classification Criteria Version 2. Collection method: clinical testing. Allele origin: germline. Affected: yes. Observed: 1 variant allele.
Comment: MBD5: BP4, BP7

NM_001378120.1(MBD5):c.3036C>T (p.Ile1012=)

Gene: MBD5 (methyl-CpG binding domain protein 5; plus strand). Cytogenetic location: 2q23.1.
Variant type: single nucleotide variant.
Coding change: c.3036C>T on transcript NM_001378120.1 (MANE Select); coding-DNA position 3036, C replaced by T.
Protein change: p.Ile1012=; no amino-acid change (isoleucine 1012 retained).
Molecular consequence: synonymous variant. On other transcripts: intron variant (1).
Genome position (GRCh38, 1-based): chr2:148,483,627, C>T. VCF-style: chr2-148483627-C-T. GRCh37 (hg19) VCF-style: chr2-149241196-C-T.
Other names: c.2845+191C>T (NM_018328.5).
Identifiers: ClinVar variation 2651414 (VCV002651414.24), dbSNP rs1681237938, ClinGen allele CA1037661866.